The following is an entry in ClinVar:

ClinVar aggregate classification (germline): Uncertain significance. Review status: criteria provided, multiple submitters, no conflicts (2 of 4 stars). 6 submissions from 6 submitters: Uncertain significance (6). Last evaluated 2025-07-11.

Conditions:
Autosomal recessive limb-girdle muscular dystrophy type 2Y (MRRSDC). Also called: Muscular dystrophy, autosomal recessive, with rigid spine and distal joint contractures; Muscular dystrophy, limb-girdle, type 2y. Identifiers: Orphanet 424261, MedGen C4511482, MONDO:0014900, OMIM 617072.

Allele frequency attached by ClinVar (database versions not stated): gnomAD exomes 0.00002; gnomAD 0.00004 and 0.00005; TOPMed 0.00004; 1000 Genomes Project 30x 0.00016; 1000 Genomes Project 0.00020.
gnomAD v4.1: 32 of 1,605,018 alleles (0.002%); highest among the groups gnomAD compares: Middle Eastern, 0.022%; no homozygotes.

Submissions (6):

Clinical Genomics Laboratory, Washington University in St. Louis
Classification: Uncertain significance for Autosomal recessive limb-girdle muscular dystrophy type 2Y. Last evaluated: 2025-07-11. Review status: criteria provided, single submitter. Criteria: ACMG Guidelines, 2015. Collection method: clinical testing. Allele origin: germline.
Comment: The TOR1AIP1 c.638A>G (p.Asn213Ser) variant, to our knowledge, has not been reported in the medical literature. This variant has been reported in the ClinVar database as a germline variant of uncertain significance by four submitters. This variant is only observed on 6/281,808 alleles in the general population (gnomAD v.2.1.1), indicating it is not a common variant. Computational predictors indicate that this variant would alter splicing, evidence that correlates to an impact of this variant TOR1AIP1 function. Due to limited information, and based on ACMG/AMP guidelines for variant interpretation (Richards S et al., PMID: 25741868), the clinical significance of this variant is uncertain at this time.

Blueprint Genetics
Classification: Uncertain significance. Last evaluated: 2024-02-20. Review status: criteria provided, single submitter. Criteria: ACMG Guidelines, 2015. Collection method: clinical testing. Allele origin: germline.

Genome-Nilou Lab
Classification: Uncertain significance for Autosomal recessive limb-girdle muscular dystrophy type 2Y. Last evaluated: 2023-04-11. Review status: criteria provided, single submitter. Criteria: ACMG Guidelines, 2015. Collection method: clinical testing. Allele origin: germline. Affected: no.

Labcorp Genetics (formerly Invitae), Labcorp
Classification: Uncertain significance for Autosomal recessive limb-girdle muscular dystrophy type 2Y. Last evaluated: 2022-11-01. Review status: criteria provided, single submitter. Criteria: Invitae Variant Classification Sherloc (09022015). Collection method: clinical testing. Allele origin: germline.
Comment: This sequence change replaces asparagine, which is neutral and polar, with serine, which is neutral and polar, at codon 214 of the TOR1AIP1 protein (p.Asn214Ser). This variant is present in population databases (rs200495464, gnomAD 0.008%). This variant has not been reported in the literature in individuals affected with TOR1AIP1-related conditions. ClinVar contains an entry for this variant (Variation ID: 851674). Advanced modeling of protein sequence and biophysical properties (such as structural, functional, and spatial information, amino acid conservation, physicochemical variation, residue mobility, and thermodynamic stability) performed at Invitae indicates that this missense variant is not expected to disrupt TOR1AIP1 protein function. Algorithms developed to predict the effect of sequence changes on RNA splicing suggest that this variant may disrupt the consensus splice site. In summary, the available evidence is currently insufficient to determine the role of this variant in disease. Therefore, it has been classified as a Variant of Uncertain Significance.

GeneDx
Classification: Uncertain significance. Last evaluated: 2019-11-26. Review status: criteria provided, single submitter. Criteria: GeneDx Variant Classification Process June 2021. Collection method: clinical testing. Allele origin: germline. Affected: yes.
Comment: In silico analysis, which includes protein predictors and evolutionary conservation, supports that this variant does not alter protein structure/function; In silico analysis, which includes splice predictors and evolutionary conservation, suggests this variant may impact gene splicing. In the absence of RNA/functional studies, the actual effect of this sequence change is unknown.

Revvity Omics, Revvity
Classification: Uncertain significance. Last evaluated: 2019-03-22. Review status: criteria provided, single submitter. Criteria: ACMG Guidelines, 2015. Collection method: clinical testing. Allele origin: germline.

NM_015602.4(TOR1AIP1):c.638A>G (p.Asn213Ser)

Gene: TOR1AIP1 (torsin 1A interacting protein 1; plus strand). Cytogenetic location: 1q25.2.
Variant type: single nucleotide variant.
Coding change: c.638A>G on transcript NM_015602.4 (MANE Select); coding-DNA position 638, A replaced by G.
Protein change: p.Asn213Ser; replaces asparagine 213 with serine.
Molecular consequence: missense variant.
Genome position (GRCh38, 1-based): chr1:179,900,153, A>G. VCF-style: chr1-179900153-A-G. GRCh37 (hg19) VCF-style: chr1-179869288-A-G.
Other names: c.641A>G, p.Asn214Ser (NM_001267578.2); short protein forms N213S, N214S.
Identifiers: ClinVar variation 851674 (VCV000851674.12), dbSNP rs200495464, ClinGen allele CA33679297.